The following is an entry in ClinVar:

ClinVar aggregate classification (germline): Uncertain significance. Review status: criteria provided, multiple submitters, no conflicts (2 of 4 stars). 2 submissions from 2 submitters: Uncertain significance (2). Last evaluated 2023-10-08.

Conditions:
Holoprosencephaly 2 (HPE2). Identifiers: Orphanet 2162, MedGen C1834877, MONDO:0007999, OMIM 157170.

Submissions (2):

Labcorp Genetics (formerly Invitae), Labcorp
Classification: Uncertain significance for Holoprosencephaly 2. Last evaluated: 2023-10-08. Review status: criteria provided, single submitter. Criteria: Invitae Variant Classification Sherloc (09022015). Collection method: clinical testing. Allele origin: germline.
Comment: This sequence change replaces serine, which is neutral and polar, with cysteine, which is neutral and slightly polar, at codon 70 of the SIX3 protein (p.Ser70Cys). This variant is not present in population databases (gnomAD no frequency). This variant has not been reported in the literature in individuals affected with SIX3-related conditions. Advanced modeling of protein sequence and biophysical properties (such as structural, functional, and spatial information, amino acid conservation, physicochemical variation, residue mobility, and thermodynamic stability) performed at Invitae indicates that this missense variant is not expected to disrupt SIX3 protein function. In summary, the available evidence is currently insufficient to determine the role of this variant in disease. Therefore, it has been classified as a Variant of Uncertain Significance.

GeneDx
Classification: Uncertain significance. Last evaluated: 2023-06-14. Review status: criteria provided, single submitter. Criteria: GeneDx Variant Classification Process June 2021. Collection method: clinical testing. Allele origin: germline. Affected: yes.
Comment: Not observed at significant frequency in large population cohorts (gnomAD); In silico analysis supports that this missense variant does not alter protein structure/function; Has not been previously published as pathogenic or benign to our knowledge

NM_005413.4(SIX3):c.209C>G (p.Ser70Cys)

Gene: SIX3 (SIX homeobox 3; plus strand). Cytogenetic location: 2p21.
Variant type: single nucleotide variant.
Coding change: c.209C>G on transcript NM_005413.4 (MANE Select); coding-DNA position 209, C replaced by G.
Protein change: p.Ser70Cys; replaces serine 70 with cysteine.
Molecular consequence: missense variant.
Genome position (GRCh38, 1-based): chr2:44,942,313, C>G. VCF-style: chr2-44942313-C-G. GRCh37 (hg19) VCF-style: chr2-45169452-C-G.
Other names: short protein forms S70C.
Identifiers: ClinVar variation 2990298 (VCV002990298.4), dbSNP rs2466513527, ClinGen allele CA346799087.
Genomic context (GRCh38, chr2:44,942,313, plus strand): 5'-GCGGGAACGGTGCGGGAGGCGGCGGTGCTGGCGGAGCAGGCGGCGGCGGCGGCGGCGGCT[C>G]CAGGGCCCCCCCGGAAGAGTTGTCCATGTTCCAGCTGCCCACCCTCAACTTCTCGCCGGA-3'
Protein context (NP_005404.1, residues 60-80): GGAGGGGGGG[Ser70Cys]RAPPEELSMF